The following is an entry in ClinVar:

NM_194313.4(KIF24):c.3925G>A (p.Gly1309Ser)

Genes: KIF24 (kinesin family member 24; minus strand), LOC126860617 (CDK7 strongly-dependent group 2 enhancer GRCh37_chr9:34254397-34255596; plus strand). Cytogenetic location: 9p13.3.
Variant type: single nucleotide variant.
Coding change: c.3925G>A on transcript NM_194313.4 (MANE Select); coding-DNA position 3925, G replaced by A.
Protein change: p.Gly1309Ser; replaces glycine 1309 with serine.
Molecular consequence: missense variant.
Genome position (GRCh38, 1-based): chr9:34,255,113, C>T on the plus strand (G>A on the coding strand, the complement: KIF24 is on the minus strand). VCF-style: chr9-34255113-C-T. GRCh37 (hg19) VCF-style: chr9-34255111-C-T.
Other names: short protein forms G1309S.
Identifiers: ClinVar variation 5040282 (VCV005040282.1).

ClinVar aggregate classification (germline): Likely benign (1 of 4 stars; one submission).

gnomAD v4.1: 16 of 1,595,684 alleles (0.001%); highest among the groups gnomAD compares: African/African-American, 0.0094%; no homozygotes.

Submission:

CeGaT Center for Human Genetics Tuebingen
Classification: Likely benign. Last evaluated: 2026-07-01. Review status: criteria provided, single submitter. Criteria: CeGaT Center For Human Genetics Tuebingen Variant Classification Criteria Version 2. Collection method: clinical testing. Allele origin: germline. Affected: yes. Observed: 1 variant allele.
Comment: KIF24: BP4